The following is an entry in ClinVar:

ClinVar aggregate classification (germline): Likely benign (0 of 4 stars; one submission).

Conditions:
PLXNA4-related disorder. Also called: PLXNA4-related condition.

Allele frequency attached by ClinVar (database versions not stated): TOPMed below 0.00001; gnomAD 0.00001; ExAC 0.00002.
gnomAD v4.1: 19 of 1,614,068 alleles (0.0012%); highest among the groups gnomAD compares: Non-Finnish European, 0.0015%; no homozygotes.

Submission:

PreventionGenetics, part of Exact Sciences
Classification: Likely benign for PLXNA4-related condition. Last evaluated: 2021-10-01. Review status: no assertion criteria provided. Collection method: clinical testing. Allele origin: germline.
Comment: This variant is classified as likely benign based on ACMG/AMP sequence variant interpretation guidelines (Richards et al. 2015 PMID: 25741868, with internal and published modifications).

NM_020911.2(PLXNA4):c.3537G>A (p.Leu1179=)

Gene: PLXNA4 (plexin A4; minus strand). Cytogenetic location: 7q32.3.
Variant type: single nucleotide variant.
Coding change: c.3537G>A on transcript NM_020911.2 (MANE Select); coding-DNA position 3537, G replaced by A.
Protein change: p.Leu1179=; no amino-acid change (leucine 1179 retained).
Molecular consequence: synonymous variant.
Genome position (GRCh38, 1-based): chr7:132,180,688, C>T on the plus strand (G>A on the coding strand, the complement: PLXNA4 is on the minus strand). VCF-style: chr7-132180688-C-T. GRCh37 (hg19) VCF-style: chr7-131865447-C-T.
Other names: c.3537G>A, p.Leu1179= (NM_001393897.1).
Identifiers: ClinVar variation 3031959 (VCV003031959.2), dbSNP rs757878877, ClinGen allele CA4489462.